The following is an entry in ClinVar:

ClinVar aggregate classification (germline): Uncertain significance (1 of 4 stars; one submission).

Conditions:
Focal segmental glomerulosclerosis 5 (FSGS5). Identifiers: Orphanet 656, MedGen C2750475, MONDO:0013191, OMIM 613237.
Charcot-Marie-Tooth disease dominant intermediate E. Also called: CHARCOT-MARIE-TOOTH NEUROPATHY WITH FOCAL SEGMENTAL GLOMERULONEPHRITIS. Identifiers: Orphanet 93114, MedGen C4302667, MONDO:0013758, OMIM 614455.

gnomAD v4.1: 2 of 1,612,678 alleles (0.00012%); highest among the groups gnomAD compares: African/African-American, 0.0013%; no homozygotes.

Submission:

Labcorp Genetics (formerly Invitae), Labcorp
Classification: Uncertain significance for Charcot-Marie-Tooth disease dominant intermediate E; Focal segmental glomerulosclerosis 5. Last evaluated: 2025-10-23. Review status: criteria provided, single submitter. Criteria: Invitae Variant Classification Sherloc (09022015). Collection method: clinical testing. Allele origin: germline.
Comment: This sequence change replaces proline, which is neutral and non-polar, with histidine, which is basic and polar, at codon 1121 of the INF2 protein (p.Pro1121His). This variant is not present in population databases (gnomAD no frequency). This variant has not been reported in the literature in individuals affected with INF2-related conditions. Invitae Evidence Modeling of protein sequence and biophysical properties (such as structural, functional, and spatial information, amino acid conservation, physicochemical variation, residue mobility, and thermodynamic stability) indicates that this missense variant is not expected to disrupt INF2 protein function with a negative predictive value of 95%. In summary, the available evidence is currently insufficient to determine the role of this variant in disease. Therefore, it has been classified as a Variant of Uncertain Significance.

NM_022489.4(INF2):c.3362C>A (p.Pro1121His)

Gene: INF2 (inverted formin 2; plus strand). Cytogenetic location: 14q32.33.
Variant type: single nucleotide variant.
Coding change: c.3362C>A on transcript NM_022489.4 (MANE Select); coding-DNA position 3362, C replaced by A.
Protein change: p.Pro1121His; replaces proline 1121 with histidine.
Molecular consequence: missense variant. On other transcripts: non-coding transcript variant (1).
Genome position (GRCh38, 1-based): chr14:104,714,524, C>A. VCF-style: chr14-104714524-C-A. GRCh37 (hg19) VCF-style: chr14-105180861-C-A.
Other names: c.3362C>A, p.Pro1121His (NM_001031714.4, NM_001426862.1, NM_001426863.1 and 2 more transcripts); short protein forms P1121H.
Identifiers: ClinVar variation 4789559 (VCV004789559.1).
Genomic context (GRCh38, chr14:104,714,524, plus strand): 5'-GGCCGGTGACTCTGGGAGATGCTCAGGCCCTGAAGCCCCTCAAGTTCTCCAGCAACCAGC[C>A]CCCTGCAGCCGGAAGTTCAAGGCAAGATGCCAAGGATCCCACGTCCTTGCTGGGCGTCCT-3'
Protein context (NP_071934.3, residues 1111-1131): LKPLKFSSNQ[Pro1121His]PAAGSSRQDA